The following is an entry in ClinVar:

NM_025179.4(PLXNA2):c.199A>G (p.Ile67Val)

Gene: PLXNA2 (plexin A2; minus strand). Cytogenetic location: 1q32.2.
Variant type: single nucleotide variant.
Coding change: c.199A>G on transcript NM_025179.4 (MANE Select); coding-DNA position 199, A replaced by G.
Protein change: p.Ile67Val; replaces isoleucine 67 with valine.
Molecular consequence: missense variant.
Genome position (GRCh38, 1-based): chr1:208,217,724, T>C on the plus strand (A>G on the coding strand, the complement: PLXNA2 is on the minus strand). VCF-style: chr1-208217724-T-C. GRCh37 (hg19) VCF-style: chr1-208391069-T-C.
Other names: c.199A>G (NM_025179.3); short protein forms I67V.
Identifiers: ClinVar variation 1479618 (VCV001479618.12), dbSNP rs147839768, ClinGen allele CA1374113.

ClinVar aggregate classification (germline): Uncertain significance. Review status: criteria provided, multiple submitters, no conflicts (2 of 4 stars). 3 submissions from 3 submitters: Uncertain significance (2). 1 of the submissions does not count toward it. Last evaluated 2021-06-22.

Conditions:
PLXNA2-related disorder. Also called: PLXNA2-related condition.

Allele frequency attached by ClinVar (database versions not stated): gnomAD exomes 0.00001; ExAC 0.00003; gnomAD 0.00004; ESP Exome Variant Server 0.00008; TOPMed 0.00009.
gnomAD v4.1: 10 of 1,614,068 alleles (0.00062%); highest among the groups gnomAD compares: African/African-American, 0.013%; no homozygotes.

Submissions (3):

Ambry Genetics
Classification: Uncertain significance. Last evaluated: 2021-06-22. Review status: criteria provided, single submitter. Criteria: Ambry Variant Classification Scheme 2023. Collection method: clinical testing. Allele origin: germline.

Labcorp Genetics (formerly Invitae), Labcorp
Classification: Uncertain significance. Last evaluated: 2021-04-23. Review status: criteria provided, single submitter. Criteria: Invitae Variant Classification Sherloc (09022015). Collection method: clinical testing. Allele origin: germline.
Comment: In summary, the available evidence is currently insufficient to determine the role of this variant in disease. Therefore, it has been classified as a Variant of Uncertain Significance. Algorithms developed to predict the effect of missense changes on protein structure and function (SIFT, PolyPhen-2, Align-GVGD) all suggest that this variant is likely to be tolerated, but these predictions have not been confirmed by published functional studies and their clinical significance is uncertain. This variant has not been reported in the literature in individuals with PLXNA2-related conditions. This variant is present in population databases (rs147839768, ExAC 0.04%). This sequence change replaces isoleucine with valine at codon 67 of the PLXNA2 protein (p.Ile67Val). The isoleucine residue is moderately conserved and there is a small physicochemical difference between isoleucine and valine.

PreventionGenetics, part of Exact Sciences
Classification: Uncertain significance for PLXNA2-related condition. Last evaluated: 2024-02-06. Review status: no assertion criteria provided. Collection method: clinical testing. Allele origin: germline. Not counted in ClinVar's aggregate classification.
Comment: The PLXNA2 c.199A>G variant is predicted to result in the amino acid substitution p.Ile67Val. To our knowledge, this variant has not been reported in the literature. This variant is reported in 0.018% of alleles in individuals of African descent in gnomAD. At this time, the clinical significance of this variant is uncertain due to the absence of conclusive functional and genetic evidence.